The following is an entry in ClinVar:

ClinVar aggregate classification (germline): Likely pathogenic (1 of 4 stars; one submission).

Conditions:
Retinitis pigmentosa 28 (RP28). Identifiers: Orphanet 791, MedGen C1419614, MONDO:0011630, OMIM 606068.

Submission:

Natera, Inc.
Classification: Likely pathogenic for Retinitis pigmentosa type 28. Last evaluated: 2024-06-18. Review status: criteria provided, single submitter. Criteria: Natera Variant Classification Schema (03/2026). Collection method: clinical testing. Allele origin: germline.
Comment: The c.962C>G variant in FAM161A is a nonsense variant predicted to introduce a stop codon at amino acid 321. This variant is expected to result in nonsense mediated decay, truncation, or a dysfunctional protein product. This variant is rare in the general population with a frequency below the threshold expected for the associated phenotype(s). Given the available evidence, this variant is classified as Likely Pathogenic.

NM_001201543.2(FAM161A):c.962C>G (p.Ser321Ter)

Gene: FAM161A (FAM161 centrosomal protein A; minus strand). Cytogenetic location: 2p15.
Variant type: single nucleotide variant.
Coding change: c.962C>G on transcript NM_001201543.2 (MANE Select); coding-DNA position 962, C replaced by G.
Protein change: p.Ser321Ter; replaces serine 321 with a stop codon.
Molecular consequence: nonsense. On other transcripts: non-coding transcript variant (1).
Genome position (GRCh38, 1-based): chr2:61,840,042, G>C on the plus strand (C>G on the coding strand, the complement: FAM161A is on the minus strand). VCF-style: chr2-61840042-G-C. GRCh37 (hg19) VCF-style: chr2-62067177-G-C.
Other names: c.962C>G, p.Ser321Ter (NM_032180.3); short protein forms S321*.
Identifiers: ClinVar variation 4814699 (VCV004814699.1).